The following is an entry in ClinVar:

ClinVar aggregate classification (germline): Uncertain significance. Review status: criteria provided, multiple submitters, no conflicts (2 of 4 stars). 3 submissions from 3 submitters: Uncertain significance (3). Last evaluated 2024-03-04.

Conditions:
Cardiovascular phenotype. Identifiers: MedGen CN230736.
Hypertrophic cardiomyopathy 20. Identifiers: MedGen C3151267, MONDO:0013477, OMIM 613876.
Dilated cardiomyopathy 1CC (CMD1CC). Identifiers: Orphanet 154, MedGen C2751084, MONDO:0013147, OMIM 613122.
Cardiomyopathy (CMYO). Also called: Cardiomyopathies. Identifiers: Orphanet 167848, MedGen C0878544, MONDO:0004994, HP:0001638. Inheritance: Various modes of inheritance.

Allele frequency attached by ClinVar (database versions not stated): gnomAD 0.00001; gnomAD exomes 0.00002; TOPMed 0.00002; ExAC 0.00003.
gnomAD v4.1: 29 of 1,613,724 alleles (0.0018%); highest among the groups gnomAD compares: South Asian, 0.0044%; no homozygotes.

Submissions (3):

Ambry Genetics
Classification: Uncertain significance for Cardiovascular phenotype. Last evaluated: 2024-03-04. Review status: criteria provided, single submitter. Criteria: Ambry Variant Classification Scheme 2023. Collection method: clinical testing. Allele origin: germline.
Comment: The p.I477T variant (also known as c.1430T>C), located in coding exon 10 of the NEXN gene, results from a T to C substitution at nucleotide position 1430. The isoleucine at codon 477 is replaced by threonine, an amino acid with similar properties. This amino acid position is conserved. In addition, this alteration is predicted to be tolerated by in silico analysis. Since supporting evidence is limited at this time, the clinical significance of this alteration remains unclear.

Labcorp Genetics (formerly Invitae), Labcorp
Classification: Uncertain significance for Dilated cardiomyopathy 1CC; Hypertrophic cardiomyopathy 20. Last evaluated: 2022-07-06. Review status: criteria provided, single submitter. Criteria: Invitae Variant Classification Sherloc (09022015). Collection method: clinical testing. Allele origin: germline.
Comment: This sequence change replaces isoleucine, which is neutral and non-polar, with threonine, which is neutral and polar, at codon 477 of the NEXN protein (p.Ile477Thr). This variant is present in population databases (rs727504658, gnomAD 0.005%). This variant has not been reported in the literature in individuals affected with NEXN-related conditions. ClinVar contains an entry for this variant (Variation ID: 201934). Algorithms developed to predict the effect of missense changes on protein structure and function output the following: SIFT: "Deleterious"; PolyPhen-2: "Benign"; Align-GVGD: "Class C0". The threonine amino acid residue is found in multiple mammalian species, which suggests that this missense change does not adversely affect protein function. In summary, the available evidence is currently insufficient to determine the role of this variant in disease. Therefore, it has been classified as a Variant of Uncertain Significance.

CHEO Genetics Diagnostic Laboratory, Children's Hospital of Eastern Ontario
Classification: Uncertain significance for Cardiomyopathy. Last evaluated: 2015-09-25. Review status: criteria provided, single submitter. Criteria: ACMG Guidelines, 2015. Collection method: clinical testing. Allele origin: germline. Study: Canadian Open Genetics Repository.

NM_144573.4(NEXN):c.1430T>C (p.Ile477Thr)

Gene: NEXN (nexilin F-actin binding protein; plus strand). Cytogenetic location: 1p31.1.
Variant type: single nucleotide variant.
Coding change: c.1430T>C on transcript NM_144573.4 (MANE Select); coding-DNA position 1430, T replaced by C.
Protein change: p.Ile477Thr; replaces isoleucine 477 with threonine.
Molecular consequence: missense variant.
Genome position (GRCh38, 1-based): chr1:77,936,001, T>C. VCF-style: chr1-77936001-T-C. GRCh37 (hg19) VCF-style: chr1-78401686-T-C.
Other names: c.1238T>C, p.Ile413Thr (NM_001172309.2); short protein forms I477T, I413T.
Identifiers: ClinVar variation 201934 (VCV000201934.11), dbSNP rs727504658, ClinGen allele CA335442.